The following is an entry in ClinVar:

NM_139027.6(ADAMTS13):c.3872G>A (p.Gly1291Asp)

Gene: ADAMTS13 (ADAM metallopeptidase with thrombospondin type 1 motif 13; plus strand). Cytogenetic location: 9q34.2.
Variant type: single nucleotide variant.
Coding change: c.3872G>A on transcript NM_139027.6 (MANE Select); coding-DNA position 3872, G replaced by A.
Protein change: p.Gly1291Asp; replaces glycine 1291 with aspartic acid.
Molecular consequence: missense variant.
Genome position (GRCh38, 1-based): chr9:133,458,057, G>A. VCF-style: chr9-133458057-G-A. GRCh37 (hg19) VCF-style: chr9-136323179-G-A.
Other names: c.4040G>A, p.Gly1347Asp (NM_139025.5); c.3779G>A, p.Gly1260Asp (NM_139026.6); short protein forms G1260D, G1291D, G1347D.
Identifiers: ClinVar variation 1943629 (VCV001943629.5), dbSNP rs1554796676, ClinGen allele CA375418898.

ClinVar aggregate classification (germline): Uncertain significance (1 of 4 stars; one submission).

gnomAD v4.1: 2 of 1,613,458 alleles (0.00012%); highest among the groups gnomAD compares: Non-Finnish European, 0.00017%; no homozygotes.

Submission:

Labcorp Genetics (formerly Invitae), Labcorp
Classification: Uncertain significance. Last evaluated: 2022-07-12. Review status: criteria provided, single submitter. Criteria: Invitae Variant Classification Sherloc (09022015). Collection method: clinical testing. Allele origin: germline.
Comment: This sequence change replaces glycine, which is neutral and non-polar, with aspartic acid, which is acidic and polar, at codon 1347 of the ADAMTS13 protein (p.Gly1347Asp). This variant is present in population databases (no rsID available, gnomAD 0.0009%). This variant has not been reported in the literature in individuals affected with ADAMTS13-related conditions. Algorithms developed to predict the effect of missense changes on protein structure and function output the following: SIFT: "Tolerated"; PolyPhen-2: "Benign"; Align-GVGD: "Class C0". The aspartic acid amino acid residue is found in multiple mammalian species, which suggests that this missense change does not adversely affect protein function. In summary, the available evidence is currently insufficient to determine the role of this variant in disease. Therefore, it has been classified as a Variant of Uncertain Significance.